The following is an entry in ClinVar:

NM_020433.5(JPH2):c.54G>A (p.Trp18Ter)

Gene: JPH2 (junctophilin 2; minus strand). Cytogenetic location: 20q13.12.
Variant type: single nucleotide variant.
Coding change: c.54G>A on transcript NM_020433.5 (MANE Select); coding-DNA position 54, G replaced by A.
Protein change: p.Trp18Ter; replaces tryptophan 18 with a stop codon.
Molecular consequence: nonsense.
Genome position (GRCh38, 1-based): chr20:44,186,652, C>T on the plus strand (G>A on the coding strand, the complement: JPH2 is on the minus strand). VCF-style: chr20-44186652-C-T. GRCh37 (hg19) VCF-style: chr20-42815292-C-T.
Other names: c.54G>A, p.Trp18Ter (NM_175913.4); short protein forms W18*.
Identifiers: ClinVar variation 3768220 (VCV003768220.1).

ClinVar aggregate classification (germline): Pathogenic (1 of 4 stars; one submission).

Conditions:
Cardiomyopathy (CMYO). Also called: Cardiomyopathies. Identifiers: Orphanet 167848, MedGen C0878544, MONDO:0004994, HP:0001638. Inheritance: Various modes of inheritance.

Submission:

Women's Health and Genetics/Laboratory Corporation of America, LabCorp
Classification: Pathogenic for Cardiomyopathy. Last evaluated: 2024-12-27. Review status: criteria provided, single submitter. Criteria: LabCorp Variant Classification Summary - May 2015. Collection method: clinical testing. Allele origin: germline.
Comment: Variant summary: JPH2 c.54G>A (p.Trp18X) results in a premature termination codon, predicted to cause a truncation of the encoded protein or absence of the protein due to nonsense mediated decay, which are commonly known mechanisms for disease. The variant was absent in 238222 control chromosomes. To our knowledge, no occurrence of c.54G>A in individuals affected with Cardiomyopathy and no experimental evidence demonstrating its impact on protein function have been reported. No submitters have cited clinical-significance assessments for this variant to ClinVar. Based on the evidence outlined above, the variant was classified as pathogenic.